The following is an entry in ClinVar:

NM_000071.3(CBS):c.667-3C>A

Gene: CBS (cystathionine beta-synthase; minus strand). Cytogenetic location: 21q22.3.
Variant type: single nucleotide variant.
Coding change: c.667-3C>A on transcript NM_000071.3 (MANE Select); 3 bases into the intron before coding-DNA position 667, C replaced by A.
Molecular consequence: intron variant.
Genome position (GRCh38, 1-based): chr21:43,065,275, G>T on the plus strand (C>A on the coding strand, the complement: CBS is on the minus strand). VCF-style: chr21-43065275-G-T. GRCh37 (hg19) VCF-style: chr21-44485385-G-T.
Other names: c.667-3C>A (NM_001320298.2, NM_001178009.3, NM_001178008.3); c.352-3C>A (NM_001321072.1).
Identifiers: ClinVar variation 2178087 (VCV002178087.4), dbSNP rs2517443407, ClinGen allele CA2580099032.

ClinVar aggregate classification (germline): Uncertain significance (1 of 4 stars; one submission).

Conditions:
HYPERHOMOCYSTEINEMIA, THROMBOTIC, CBS-RELATED. Identifiers: MedGen C3150344, OMIM 236200.

Submission:

Labcorp Genetics (formerly Invitae), Labcorp
Classification: Uncertain significance for HYPERHOMOCYSTEINEMIA, THROMBOTIC, CBS-RELATED. Last evaluated: 2022-04-18. Review status: criteria provided, single submitter. Criteria: Invitae Variant Classification Sherloc (09022015). Collection method: clinical testing. Allele origin: germline.
Comment: In summary, the available evidence is currently insufficient to determine the role of this variant in disease. Therefore, it has been classified as a Variant of Uncertain Significance. Variants that disrupt the consensus splice site are a relatively common cause of aberrant splicing (PMID: 17576681, 9536098). Algorithms developed to predict the effect of sequence changes on RNA splicing suggest that this variant is not likely to affect RNA splicing. This variant has not been reported in the literature in individuals affected with CBS-related conditions. This variant is not present in population databases (gnomAD no frequency). This sequence change falls in intron 7 of the CBS gene. It does not directly change the encoded amino acid sequence of the CBS protein. It affects a nucleotide within the consensus splice site.

Literature cited by the submitters: PubMed 17576681; PubMed 9536098.